The following is an entry in ClinVar:

ClinVar aggregate classification (germline): Uncertain significance. Review status: criteria provided, multiple submitters, no conflicts (2 of 4 stars). 2 submissions from 2 submitters: Uncertain significance (2). Last evaluated 2026-06-01.

Submissions (2):

CeGaT Center for Human Genetics Tuebingen
Classification: Uncertain significance. Last evaluated: 2026-06-01. Review status: criteria provided, single submitter. Criteria: CeGaT Center For Human Genetics Tuebingen Variant Classification Criteria Version 2. Collection method: clinical testing. Allele origin: germline. Affected: yes. Observed: 1 variant allele.
Comment: NEDD4L: PM2, BP4

Labcorp Genetics (formerly Invitae), Labcorp
Classification: Uncertain significance. Last evaluated: 2021-06-24. Review status: criteria provided, single submitter. Criteria: Invitae Variant Classification Sherloc (09022015). Collection method: clinical testing. Allele origin: germline.
Comment: This sequence change replaces glutamic acid with glutamine at codon 175 of the NEDD4L protein (p.Glu175Gln). The glutamic acid residue is moderately conserved and there is a small physicochemical difference between glutamic acid and glutamine. This variant is not present in population databases (ExAC no frequency). This variant has not been reported in the literature in individuals with NEDD4L-related conditions. Algorithms developed to predict the effect of missense changes on protein structure and function are either unavailable or do not agree on the potential impact of this missense change (SIFT: "Deleterious"; PolyPhen-2: "Benign"; Align-GVGD: "Class C0"). In summary, the available evidence is currently insufficient to determine the role of this variant in disease. Therefore, it has been classified as a Variant of Uncertain Significance.

NM_001144967.3(NEDD4L):c.523G>C (p.Glu175Gln)

Gene: NEDD4L (NEDD4 like E3 ubiquitin protein ligase; plus strand). Cytogenetic location: 18q21.31.
Variant type: single nucleotide variant.
Coding change: c.523G>C on transcript NM_001144967.3 (MANE Select); coding-DNA position 523, G replaced by C.
Protein change: p.Glu175Gln; replaces glutamic acid 175 with glutamine.
Molecular consequence: missense variant.
Genome position (GRCh38, 1-based): chr18:58,325,005, G>C. VCF-style: chr18-58325005-G-C. GRCh37 (hg19) VCF-style: chr18-55992237-G-C.
Other names: c.160G>C, p.Glu54Gln (NM_001144964.1, NM_001144965.2, NM_001144966.3 and 2 more transcripts); c.499G>C, p.Glu167Gln (NM_001144968.2, NM_001144969.2); c.523G>C, p.Glu175Gln (NM_001243960.2, NM_015277.6); short protein forms E54Q, E175Q, E167Q.
Identifiers: ClinVar variation 1402819 (VCV001402819.10), dbSNP rs2144402875, ClinGen allele CA402552507.